The following is an entry in ClinVar:

ClinVar aggregate classification (germline): Uncertain significance (1 of 4 stars; one submission).

Conditions:
Holoprosencephaly 3 (HPE3). Identifiers: Orphanet 2162, MedGen C1840529, MONDO:0007733, OMIM 142945.

Submission:

Labcorp Genetics (formerly Invitae), Labcorp
Classification: Uncertain significance for Holoprosencephaly 3. Last evaluated: 2023-08-14. Review status: criteria provided, single submitter. Criteria: Invitae Variant Classification Sherloc (09022015). Collection method: clinical testing. Allele origin: germline.
Comment: This variant is not present in population databases (gnomAD no frequency). This variant occurs in a non-coding region of the SHH gene. It does not change the encoded amino acid sequence of the SHH protein. This variant has not been reported in the literature in individuals affected with SHH-related conditions. In summary, the available evidence is currently insufficient to determine the role of this variant in disease. Therefore, it has been classified as a Variant of Uncertain Significance. Experimental studies and prediction algorithms are not available or were not evaluated, and the effect of this variant on mRNA splicing is currently unknown.

NC_000007.14:g.156789611T>C

Genes: LMBR1 (limb development membrane protein 1; minus strand), SHH (sonic hedgehog signaling molecule; minus strand). Cytogenetic location: 7q36.3.
Variant type: single nucleotide variant.
Molecular consequence: intron variant (on NM_022458.4).
Genome position: GRCh38 VCF-style: chr7-156789611-T-C. GRCh37 (hg19) VCF-style: chr7-156582305-T-C.
Other names: c.360+6778A>G (NM_001363412.2); c.144+6778A>G (NM_001350954.2); c.423+6778A>G (NM_001363410.2, NM_022458.4, NM_001363409.2 and 1 more transcripts); c.-112+6778A>G (NM_001350958.2, NM_001350956.2, NM_001350955.2 and 1 more transcripts); c.54+6778A>G (NM_001350957.2, NM_001363411.2).
Identifiers: ClinVar variation 2781903 (VCV002781903.3), dbSNP rs2536106494, ClinGen allele CA2739277991.